The following is an entry in ClinVar:

ClinVar aggregate classification (germline): Uncertain significance (1 of 4 stars; one submission).

Conditions:
Inborn genetic diseases. Identifiers: MedGen C0950123, MeSH D030342.

gnomAD v4.1: 12 of 1,610,850 alleles (0.00074%); highest among the groups gnomAD compares: African/African-American, 0.0067%; no homozygotes.

Submission:

Ambry Genetics
Classification: Uncertain significance for Inborn genetic diseases. Last evaluated: 2025-11-05. Review status: criteria provided, single submitter. Criteria: Ambry Variant Classification Scheme 2023. Collection method: clinical testing. Allele origin: germline.
Comment: The c.2750A>G (p.Y917C) alteration is located in exon 21 (coding exon 21) of the NBEA gene. This alteration results from a A to G substitution at nucleotide position 2750, causing the tyrosine (Y) at amino acid position 917 to be replaced by a cysteine (C). Based on data from gnomAD, the G allele has an overall frequency of <0.001% (1/247068) total alleles studied. The highest observed frequency was 0.001% (1/112402) of European (non-Finnish) alleles. Based on insufficient or conflicting evidence, the clinical significance of this alteration remains unclear.

NM_001385012.1(NBEA):c.2750A>G (p.Tyr917Cys)

Gene: NBEA (neurobeachin; plus strand). Cytogenetic location: 13q13.3.
Variant type: single nucleotide variant.
Coding change: c.2750A>G on transcript NM_001385012.1 (MANE Select); coding-DNA position 2750, A replaced by G.
Protein change: p.Tyr917Cys; replaces tyrosine 917 with cysteine.
Molecular consequence: missense variant.
Genome position (GRCh38, 1-based): chr13:35,157,176, A>G. VCF-style: chr13-35157176-A-G. GRCh37 (hg19) VCF-style: chr13-35731313-A-G.
Other names: c.2750A>G, p.Tyr917Cys (NM_001379245.1, NM_015678.5); short protein forms Y917C.
Identifiers: ClinVar variation 4625808 (VCV004625808.1).